The following is an entry in ClinVar:

NM_054027.6(ANKH):c.377G>C (p.Ser126Thr)

Gene: ANKH (ANKH inorganic pyrophosphate transport regulator; minus strand). Cytogenetic location: 5p15.2.
Variant type: single nucleotide variant.
Coding change: c.377G>C on transcript NM_054027.6 (MANE Select); coding-DNA position 377, G replaced by C.
Protein change: p.Ser126Thr; replaces serine 126 with threonine.
Molecular consequence: missense variant.
Genome position (GRCh38, 1-based): chr5:14,758,535, C>G on the plus strand (G>C on the coding strand, the complement: ANKH is on the minus strand). VCF-style: chr5-14758535-C-G. GRCh37 (hg19) VCF-style: chr5-14758644-C-G.
Other names: short protein forms S126T.
Identifiers: ClinVar variation 2977551 (VCV002977551.3), dbSNP rs2477419645, ClinGen allele CA359250957.

ClinVar aggregate classification (germline): Uncertain significance (1 of 4 stars; one submission).

Submission:

Labcorp Genetics (formerly Invitae), Labcorp
Classification: Uncertain significance. Last evaluated: 2023-02-24. Review status: criteria provided, single submitter. Criteria: Invitae Variant Classification Sherloc (09022015). Collection method: clinical testing. Allele origin: germline.
Comment: In summary, the available evidence is currently insufficient to determine the role of this variant in disease. Therefore, it has been classified as a Variant of Uncertain Significance. Advanced modeling of protein sequence and biophysical properties (such as structural, functional, and spatial information, amino acid conservation, physicochemical variation, residue mobility, and thermodynamic stability) performed at Invitae indicates that this missense variant is not expected to disrupt ANKH protein function. This variant has not been reported in the literature in individuals affected with ANKH-related conditions. This variant is not present in population databases (gnomAD no frequency). This sequence change replaces serine, which is neutral and polar, with threonine, which is neutral and polar, at codon 126 of the ANKH protein (p.Ser126Thr).